The following is an entry in ClinVar:

NM_000069.3(CACNA1S):c.1356G>T (p.Glu452Asp)

Gene: CACNA1S (calcium voltage-gated channel subunit alpha1 S; minus strand). Cytogenetic location: 1q32.1.
Variant type: single nucleotide variant.
Coding change: c.1356G>T on transcript NM_000069.3 (MANE Select); coding-DNA position 1356, G replaced by T.
Protein change: p.Glu452Asp; replaces glutamic acid 452 with aspartic acid.
Molecular consequence: missense variant.
Genome position (GRCh38, 1-based): chr1:201,083,199, C>A on the plus strand (G>T on the coding strand, the complement: CACNA1S is on the minus strand). VCF-style: chr1-201083199-C-A. GRCh37 (hg19) VCF-style: chr1-201052327-C-A.
Other names: short protein forms E452D.
Identifiers: ClinVar variation 1984906 (VCV001984906.5), dbSNP rs760677210, ClinGen allele CA344125278.

ClinVar aggregate classification (germline): Uncertain significance. Review status: criteria provided, multiple submitters, no conflicts (2 of 4 stars). 2 submissions from 2 submitters: Uncertain significance (2). Last evaluated 2024-11-28.

Conditions:
Hypokalemic periodic paralysis, type 1. Also called: HypoPP; Hypokalemic Periodic Paralysis Type 1 (AD). Identifiers: Orphanet 681, MedGen C3714580, MONDO:0042979, OMIM 170400.
Malignant hyperthermia, susceptibility to, 5 (MHS5). Also called: CACNA1S-Related Malignant Hyperthermia Susceptibility. Identifiers: Orphanet 423, MedGen C1866077, MONDO:0011163, OMIM 601887.

Submissions (2):

Labcorp Genetics (formerly Invitae), Labcorp
Classification: Uncertain significance for Hypokalemic periodic paralysis, type 1; Malignant hyperthermia, susceptibility to, 5. Last evaluated: 2024-11-28. Review status: criteria provided, single submitter. Criteria: Invitae Variant Classification Sherloc (09022015). Collection method: clinical testing. Allele origin: germline.
Comment: This sequence change replaces glutamic acid, which is acidic and polar, with aspartic acid, which is acidic and polar, at codon 452 of the CACNA1S protein (p.Glu452Asp). This variant is not present in population databases (gnomAD no frequency). This variant has not been reported in the literature in individuals affected with CACNA1S-related conditions. ClinVar contains an entry for this variant (Variation ID: 1984906). Invitae Evidence Modeling of protein sequence and biophysical properties (such as structural, functional, and spatial information, amino acid conservation, physicochemical variation, residue mobility, and thermodynamic stability) has been performed for this missense variant. However, the output from this modeling did not meet the statistical confidence thresholds required to predict the impact of this variant on CACNA1S protein function. In summary, the available evidence is currently insufficient to determine the role of this variant in disease. Therefore, it has been classified as a Variant of Uncertain Significance.

All of Us Research Program, National Institutes of Health
Classification: Uncertain significance for Malignant hyperthermia, susceptibility to, 5. Last evaluated: 2024-02-05. Review status: criteria provided, single submitter. Criteria: ACMG Guidelines, 2015. Collection method: clinical testing. Allele origin: germline. Inheritance: Autosomal dominant inheritance. Observed: 1 variant allele, 1 heterozygote.
Comment: This missense variant replaces glutamic acid with aspartic acid at codon 452 of the CACNA1S protein. Computational prediction suggests that this variant may have deleterious impact on protein structure and function (internally defined REVEL score threshold >= 0.7, PMID: 27666373). To our knowledge, functional studies have not been reported for this variant. This variant has not been reported in individuals affected with CACNA1S-related disorders in the literature. This variant has not been identified in the general population by the Genome Aggregation Database (gnomAD). The available evidence is insufficient to determine the role of this variant in disease conclusively. Therefore, this variant is classified as a Variant of Uncertain Significance.

This study involves interpretation of variants in research participants for the purpose of population health screening. Participant phenotype was not available at the time of variant classification. Additional details can be found in publication PMID: 35346344, PMCID: PMC8962531